The following is an entry in ClinVar:

NM_005477.3(HCN4):c.3371G>A (p.Gly1124Asp)

Gene: HCN4 (hyperpolarization activated cyclic nucleotide gated potassium channel 4; minus strand). Cytogenetic location: 15q24.1.
Variant type: single nucleotide variant.
Coding change: c.3371G>A on transcript NM_005477.3 (MANE Select); coding-DNA position 3371, G replaced by A.
Protein change: p.Gly1124Asp; replaces glycine 1124 with aspartic acid.
Molecular consequence: missense variant.
Genome position (GRCh38, 1-based): chr15:73,322,722, C>T on the plus strand (G>A on the coding strand, the complement: HCN4 is on the minus strand). VCF-style: chr15-73322722-C-T. GRCh37 (hg19) VCF-style: chr15-73615063-C-T.
Other names: short protein forms G1124D.
Identifiers: ClinVar variation 1046643 (VCV001046643.10), dbSNP rs981056449, ClinGen allele CA272663334.

ClinVar aggregate classification (germline): Uncertain significance. Review status: criteria provided, multiple submitters, no conflicts (2 of 4 stars). 2 submissions from 2 submitters: Uncertain significance (2). Last evaluated 2025-12-19.

Conditions:
Brugada syndrome 8 (BRGDA8). Identifiers: Orphanet 130, MedGen C2751083, MONDO:0013148, OMIM 613123.
Cardiovascular phenotype. Identifiers: MedGen CN230736.

Allele frequency attached by ClinVar (database versions not stated): gnomAD 0.00003; TOPMed 0.00003.
gnomAD v4.1: 9 of 1,564,362 alleles (0.00058%); highest among the groups gnomAD compares: African/African-American, 0.011%; no homozygotes.

Submissions (2):

Labcorp Genetics (formerly Invitae), Labcorp
Classification: Uncertain significance for Brugada syndrome 8. Last evaluated: 2025-12-19. Review status: criteria provided, single submitter. Criteria: Invitae Variant Classification Sherloc (09022015). Collection method: clinical testing. Allele origin: germline.
Comment: This sequence change replaces glycine, which is neutral and non-polar, with aspartic acid, which is acidic and polar, at codon 1124 of the HCN4 protein (p.Gly1124Asp). This variant is present in population databases (no rsID available, gnomAD 0.02%). This variant has not been reported in the literature in individuals affected with HCN4-related conditions. ClinVar contains an entry for this variant (Variation ID: 1046643). Invitae Evidence Modeling of protein sequence and biophysical properties (such as structural, functional, and spatial information, amino acid conservation, physicochemical variation, residue mobility, and thermodynamic stability) indicates that this missense variant is not expected to disrupt HCN4 protein function with a negative predictive value of 95%. In summary, the available evidence is currently insufficient to determine the role of this variant in disease. Therefore, it has been classified as a Variant of Uncertain Significance.

Ambry Genetics
Classification: Uncertain significance for Cardiovascular phenotype. Last evaluated: 2025-02-18. Review status: criteria provided, single submitter. Criteria: Ambry Variant Classification Scheme 2023. Collection method: clinical testing. Allele origin: germline.
Comment: The p.G1124D variant (also known as c.3371G>A), located in coding exon 8 of the HCN4 gene, results from a G to A substitution at nucleotide position 3371. The glycine at codon 1124 is replaced by aspartic acid, an amino acid with similar properties. This amino acid position is well conserved in available vertebrate species. In addition, the in silico prediction for this alteration is inconclusive. Since supporting evidence is limited at this time, the clinical significance of this alteration remains unclear.